The following is an entry in ClinVar:

NM_000760.4(CSF3R):c.137_138delinsTT (p.Cys46Phe)

Gene: CSF3R (colony stimulating factor 3 receptor; minus strand). Cytogenetic location: 1p34.3.
Variant type: Indel.
Coding change: c.137_138delinsTT on transcript NM_000760.4 (MANE Select); coding-DNA positions 137 to 138, GC replaced by TT.
Protein change: p.Cys46Phe; replaces cysteine 46 with phenylalanine.
Molecular consequence: missense variant.
Genome position (GRCh38, 1-based): chr1:36,475,600-36,475,601, GC replaced by AA on the plus strand (GC replaced by TT on the coding strand, the reverse complement: CSF3R is on the minus strand). VCF-style: chr1-36475600-GC-AA. GRCh37 (hg19) VCF-style: chr1-36941201-GC-AA.
Other names: c.137_138delinsTT, p.Cys46Phe (NM_156039.3, NM_172313.3); short protein forms C46F.
Identifiers: ClinVar variation 2794048 (VCV002794048.3), dbSNP rs2521830774, ClinGen allele CA2739272463.

ClinVar aggregate classification (germline): Uncertain significance (1 of 4 stars; one submission).

Conditions:
Autosomal recessive severe congenital neutropenia due to CSF3R deficiency. Also called: Neutropenia, severe congenital, 7, autosomal recessive. Identifiers: Orphanet 420702, MedGen C4310764, MONDO:0014865, OMIM 617014.

Submission:

Labcorp Genetics (formerly Invitae), Labcorp
Classification: Uncertain significance for Autosomal recessive severe congenital neutropenia due to CSF3R deficiency. Last evaluated: 2025-04-07. Review status: criteria provided, single submitter. Criteria: Invitae Variant Classification Sherloc (09022015). Collection method: clinical testing. Allele origin: germline.
Comment: This sequence change replaces cysteine, which is neutral and slightly polar, with phenylalanine, which is neutral and non-polar, at codon 46 of the CSF3R protein (p.Cys46Phe). Information on the frequency of this variant in the gnomAD database is not available, as this variant may be reported differently in the database. This variant has not been reported in the literature in individuals affected with CSF3R-related conditions. ClinVar contains an entry for this variant (Variation ID: 2794048). An algorithm developed to predict the effect of missense changes on protein structure and function (PolyPhen-2) suggests that this variant is likely to be disruptive. In summary, the available evidence is currently insufficient to determine the role of this variant in disease. Therefore, it has been classified as a Variant of Uncertain Significance.